The following is an entry in ClinVar:

NM_032273.4(TMEM126A):c.461C>T (p.Pro154Leu)

Gene: TMEM126A (transmembrane protein 126A; plus strand). Cytogenetic location: 11q14.1.
Variant type: single nucleotide variant.
Coding change: c.461C>T on transcript NM_032273.4 (MANE Select); coding-DNA position 461, C replaced by T.
Protein change: p.Pro154Leu; replaces proline 154 with leucine.
Molecular consequence: missense variant.
Genome position (GRCh38, 1-based): chr11:85,656,374, C>T. VCF-style: chr11-85656374-C-T. GRCh37 (hg19) VCF-style: chr11-85367418-C-T.
Other names: c.251C>T, p.Pro84Leu (NM_001244735.2); short protein forms P84L, P154L.
Identifiers: ClinVar variation 1493360 (VCV001493360.4), dbSNP rs200045803, ClinGen allele CA6212823.

ClinVar aggregate classification (germline): Uncertain significance. Review status: criteria provided, multiple submitters, no conflicts (2 of 4 stars). 2 submissions from 2 submitters: Uncertain significance (2). Last evaluated 2024-10-18.

Allele frequency attached by ClinVar (database versions not stated): gnomAD 0.00005 and 0.00006; TOPMed 0.00005; ESP Exome Variant Server 0.00015; gnomAD exomes 0.00016 and 0.00020; ExAC 0.00032.
gnomAD v4.1: 234 of 1,612,854 alleles (0.015%); highest among the groups gnomAD compares: Non-Finnish European, 0.019%; 1 homozygote.

Submissions (2):

Blueprint Genetics
Classification: Uncertain significance. Last evaluated: 2024-10-18. Review status: criteria provided, single submitter. Criteria: ACMG Guidelines, 2015. Collection method: clinical testing. Allele origin: germline.

Labcorp Genetics (formerly Invitae), Labcorp
Classification: Uncertain significance. Last evaluated: 2021-12-23. Review status: criteria provided, single submitter. Criteria: Invitae Variant Classification Sherloc (09022015). Collection method: clinical testing. Allele origin: germline.
Comment: This sequence change replaces proline, which is neutral and non-polar, with leucine, which is neutral and non-polar, at codon 154 of the TMEM126A protein (p.Pro154Leu). This variant is present in population databases (rs200045803, gnomAD 0.04%), including at least one homozygous and/or hemizygous individual. This variant has not been reported in the literature in individuals affected with TMEM126A-related conditions. Algorithms developed to predict the effect of missense changes on protein structure and function (SIFT, PolyPhen-2, Align-GVGD) all suggest that this variant is likely to be disruptive. In summary, the available evidence is currently insufficient to determine the role of this variant in disease. Therefore, it has been classified as a Variant of Uncertain Significance.